The following is an entry in ClinVar:

NM_004722.4(AP4M1):c.988G>C (p.Val330Leu)

Gene: AP4M1 (adaptor related protein complex 4 subunit mu 1; plus strand). Cytogenetic location: 7q22.1.
Variant type: single nucleotide variant.
Coding change: c.988G>C on transcript NM_004722.4 (MANE Select); coding-DNA position 988, G replaced by C.
Protein change: p.Val330Leu; replaces valine 330 with leucine.
Molecular consequence: missense variant.
Genome position (GRCh38, 1-based): chr7:100,106,254, G>C. VCF-style: chr7-100106254-G-C. GRCh37 (hg19) VCF-style: chr7-99703877-G-C.
Other names: c.1009G>C, p.Val337Leu (NM_001363671.2); c.988G>C (NM_004722.3); short protein forms V337L, V330L.
Identifiers: ClinVar variation 1367670 (VCV001367670.7), dbSNP rs1279854067, ClinGen allele CA368474401.
Genomic context (GRCh38, chr7:100,106,254, plus strand): 5'-GGGACTGTGCCTTCCTGGGGCTGACTTTGTTCCCGTCTCCTCTGTAGCCAAGCCCTCAAT[G>C]TCAGGCTGCACCTCCCCCTGCCTCGAGGGGTGGTCAGGTGAGTGTGTGCACCCACCACGG-3'
Protein context (NP_004713.2, residues 320-340): DLLSKSQALN[Val330Leu]RLHLPLPRGV

ClinVar aggregate classification (germline): Uncertain significance. Review status: criteria provided, multiple submitters, no conflicts (2 of 4 stars). 2 submissions from 2 submitters: Uncertain significance (2). Last evaluated 2025-02-14.

Conditions:
Hereditary spastic paraplegia 50 (SPG50). Also called: Spastic paraplegia 50, autosomal recessive. Identifiers: Orphanet 280763, MedGen C2752008, MONDO:0013048, OMIM 612936.
Inborn genetic diseases. Identifiers: MedGen C0950123, MeSH D030342.

Allele frequency attached by ClinVar (database versions not stated): gnomAD 0.00001; gnomAD exomes 0.00001 and 0.00003; TOPMed 0.00002.

Submissions (2):

Ambry Genetics
Classification: Uncertain significance for Inborn genetic diseases. Last evaluated: 2025-02-14. Review status: criteria provided, single submitter. Criteria: Ambry Variant Classification Scheme 2023. Collection method: clinical testing. Allele origin: germline.

Labcorp Genetics (formerly Invitae), Labcorp
Classification: Uncertain significance for Hereditary spastic paraplegia 50. Last evaluated: 2022-08-27. Review status: criteria provided, single submitter. Criteria: Invitae Variant Classification Sherloc (09022015). Collection method: clinical testing. Allele origin: germline.
Comment: This sequence change replaces valine, which is neutral and non-polar, with leucine, which is neutral and non-polar, at codon 330 of the AP4M1 protein (p.Val330Leu). This variant is present in population databases (no rsID available, gnomAD 0.002%). This variant has not been reported in the literature in individuals affected with AP4M1-related conditions. ClinVar contains an entry for this variant (Variation ID: 1367670). Algorithms developed to predict the effect of missense changes on protein structure and function are either unavailable or do not agree on the potential impact of this missense change (SIFT: "Deleterious"; PolyPhen-2: "Benign"; Align-GVGD: "Class C0"). In summary, the available evidence is currently insufficient to determine the role of this variant in disease. Therefore, it has been classified as a Variant of Uncertain Significance.